The following is an entry in ClinVar:

ClinVar aggregate classification (germline): Uncertain significance (1 of 4 stars; one submission).

Conditions:
Inborn genetic diseases. Identifiers: MedGen C0950123, MeSH D030342.

Submission:

Ambry Genetics
Classification: Uncertain significance for Inborn genetic diseases. Last evaluated: 2026-07-07. Review status: criteria provided, single submitter. Criteria: Ambry Variant Classification Scheme 2023. Collection method: clinical testing. Allele origin: germline.
Comment: The p.P43R variant (also known as c.128C>G), located in coding exon 3 of the RUNX1 gene, results from a C to G substitution at nucleotide position 128. The proline at codon 43 is replaced by arginine, an amino acid with dissimilar properties. This amino acid position is conserved. In addition, this alteration is predicted to be deleterious by in silico analysis. Based on the available evidence, the clinical significance of this variant remains unclear.

NM_001754.5(RUNX1):c.128C>G (p.Pro43Arg)

Gene: RUNX1 (RUNX family transcription factor 1; minus strand). Cytogenetic location: 21q22.12.
Variant type: single nucleotide variant.
Coding change: c.128C>G on transcript NM_001754.5 (MANE Select); coding-DNA position 128, C replaced by G.
Protein change: p.Pro43Arg; replaces proline 43 with arginine.
Molecular consequence: missense variant.
Genome position (GRCh38, 1-based): chr21:34,887,066, G>C on the plus strand (C>G on the coding strand, the complement: RUNX1 is on the minus strand). VCF-style: chr21-34887066-G-C. GRCh37 (hg19) VCF-style: chr21-36259363-G-C.
Other names: c.47C>G, p.Pro16Arg (NM_001001890.3, NM_001122607.2); short protein forms P16R, P43R.
Identifiers: ClinVar variation 5028584 (VCV005028584.1).